The following is an entry in ClinVar:

ClinVar aggregate classification (germline): Pathogenic (1 of 4 stars; one submission).

Submission:

GeneDx
Classification: Pathogenic. Last evaluated: 2024-01-02. Review status: criteria provided, single submitter. Criteria: GeneDx Variant Classification Process June 2021. Collection method: clinical testing. Allele origin: germline. Affected: yes.
Comment: Frameshift variant predicted to result in protein truncation or nonsense mediated decay in a gene for which loss of function is a known mechanism of disease; Not observed at significant frequency in large population cohorts (gnomAD); Has not been previously published as pathogenic or benign to our knowledge

NM_001371623.1(TCOF1):c.2208dup (p.Gln737fs)

Gene: TCOF1 (treacle ribosome biogenesis factor 1; plus strand). Cytogenetic location: 5q32.
Variant type: Duplication.
Coding change: c.2208dup on transcript NM_001371623.1 (MANE Select); coding-DNA position 2208, one base duplicated (G; older notation c.2208dupG).
Protein change: p.Gln737fs; shifts the reading frame from glutamine 737.
Molecular consequence: frameshift variant.
Genome position (GRCh38, 1-based): chr5:150,376,488, G duplicated; the last of 4 consecutive G bases (chr5:150,376,485-150,376,488); duplicating any one gives the same sequence. VCF-style (leftmost placement, unchanged base first): chr5-150376484-T-TG. GRCh37 (hg19) VCF-style: chr5-149756047-T-TG.
Other names: c.1977dup, p.Gln660fs (NM_000356.4, NM_001135245.2); c.2208dup, p.Gln737fs (NM_001008657.3, NM_001135243.2, NM_001135244.2 and 1 more transcripts); short protein forms Q660fs, Q737fs.
Identifiers: ClinVar variation 3340183 (VCV003340183.1).